The following is an entry in ClinVar:

ClinVar aggregate classification (germline): Uncertain significance. Review status: criteria provided, multiple submitters, no conflicts (2 of 4 stars). 2 submissions from 2 submitters: Uncertain significance (2). Last evaluated 2024-02-07.

Conditions:
Hypersulfaturia (HYSULF). Identifiers: MedGen C5830511, MONDO:0957268, OMIM 620372.
Nephrolithiasis susceptibility caused by SLC26A1 (CAON1). Also called: NEPHROLITHIASIS, CALCIUM OXALATE, 1. Identifiers: MedGen C5779632, MONDO:0020722, OMIM 167030.

Allele frequency attached by ClinVar (database versions not stated): gnomAD exomes below 0.00001; TOPMed below 0.00001; gnomAD 0.00001.

Submissions (2):

Fulgent Genetics
Classification: Uncertain significance for Nephrolithiasis susceptibility caused by SLC26A1; Hypersulfaturia. Last evaluated: 2024-02-07. Review status: criteria provided, single submitter. Criteria: ACMG Guidelines, 2015. Collection method: clinical testing. Allele origin: germline.

Labcorp Genetics (formerly Invitae), Labcorp
Classification: Uncertain significance. Last evaluated: 2022-04-04. Review status: criteria provided, single submitter. Criteria: Invitae Variant Classification Sherloc (09022015). Collection method: clinical testing. Allele origin: germline.
Comment: In summary, the available evidence is currently insufficient to determine the role of this variant in disease. Therefore, it has been classified as a Variant of Uncertain Significance. This sequence change creates a premature translational stop signal (p.Asn550*) in the SLC26A1 gene. While this is not anticipated to result in nonsense mediated decay, it is expected to disrupt the last 152 amino acid(s) of the SLC26A1 protein. This variant is not present in population databases (gnomAD no frequency). This variant has not been reported in the literature in individuals affected with SLC26A1-related conditions.

NM_022042.4(SLC26A1):c.1647_1648insT (p.Asn550Ter)

Genes: IDUA (alpha-L-iduronidase; plus strand), SLC26A1 (solute carrier family 26 member 1; minus strand). Cytogenetic location: 4p16.3.
Variant type: Insertion.
Coding change: c.1647_1648insT on transcript NM_022042.4 (MANE Select); coding-DNA positions 1647 to 1648, T inserted.
Protein change: p.Asn550Ter; replaces asparagine 550 with a stop codon.
Molecular consequence: nonsense. On other transcripts: intron variant (2).
Genome position: GRCh38 VCF-style: chr4-989291-T-TA. GRCh37 (hg19) VCF-style: chr4-983079-T-TA.
Other names: c.1647_1648insT, p.Asn550Ter (NM_213613.4); c.576+1836_576+1837insT (NM_134425.4); c.299+1342_299+1343insA (NM_000203.5); short protein forms N550*.
Identifiers: ClinVar variation 2120626 (VCV002120626.5), dbSNP rs1181520832, ClinGen allele CA800606494.
Genomic context (GRCh38, chr4:989,291, plus strand): 5'-CCATGCACCCTGCGTCCAGCCCCGTGAGGCTGTAGAGTGACTGCAGGAAGAAGTCCTTGT[T>TA]GGCATAGTACAGCGGCCCCCCAAAGCGGAACACCCGCACGCCGGGCTCAGGGACGAGGCC-3'